The following is an entry in ClinVar:

NM_002474.3(MYH11):c.1401+4C>G

Gene: MYH11 (myosin heavy chain 11; minus strand). Cytogenetic location: 16p13.11.
Variant type: single nucleotide variant.
Coding change: c.1401+4C>G on transcript NM_002474.3 (MANE Select); 4 bases into the intron after coding-DNA position 1401, C replaced by G.
Molecular consequence: intron variant.
Genome position (GRCh38, 1-based): chr16:15,759,572, G>C on the plus strand (C>G on the coding strand, the complement: MYH11 is on the minus strand). VCF-style: chr16-15759572-G-C. GRCh37 (hg19) VCF-style: chr16-15853429-G-C.
Other names: c.1401+4C>G (NM_022844.3); c.1422+4C>G (NM_001040114.2, NM_001040113.2).
Identifiers: ClinVar variation 3387239 (VCV003387239.1).

ClinVar aggregate classification (germline): Uncertain significance (1 of 4 stars; one submission).

Conditions:
Familial thoracic aortic aneurysm and aortic dissection (TAAD). Also called: Thoracic aortic aneurysms and dissections. Identifiers: Orphanet 91387, MedGen C4707243, MONDO:0019625.

gnomAD v4.1: 5 of 1,614,030 alleles (0.00031%); highest among the groups gnomAD compares: Admixed American, 0.005%; no homozygotes.

Submission:

All of Us Research Program, National Institutes of Health
Classification: Uncertain significance for Familial thoracic aortic aneurysm and aortic dissection. Last evaluated: 2024-08-13. Review status: criteria provided, single submitter. Criteria: ACMG Guidelines, 2015. Collection method: clinical testing. Allele origin: germline. Inheritance: Autosomal dominant inheritance. Observed: 1 variant allele, 1 heterozygote.
Comment: This variant causes a C to G nucleotide substitution at the +4 position of intron 13 of the MYH11 gene. To our knowledge, functional studies have not been reported for this variant. This variant has not been reported in individuals affected with MYH11-related disorders in the literature. This variant has been identified in 2/251462 chromosomes in the general population by the Genome Aggregation Database (gnomAD). The available evidence is insufficient to determine the role of this variant in disease conclusively. Therefore, this variant is classified as a Variant of Uncertain Significance.

This study involves interpretation of variants in research participants for the purpose of population health screening. Participant phenotype was not available at the time of variant classification. Additional details can be found in publication PMID: 35346344, PMCID: PMC8962531